The following is an entry in ClinVar:

NM_001367561.1(DOCK7):c.4646A>G (p.Gln1549Arg)

Gene: DOCK7 (dedicator of cytokinesis 7; minus strand). Cytogenetic location: 1p31.3.
Variant type: single nucleotide variant.
Coding change: c.4646A>G on transcript NM_001367561.1 (MANE Select); coding-DNA position 4646, A replaced by G.
Protein change: p.Gln1549Arg; replaces glutamine 1549 with arginine.
Molecular consequence: missense variant.
Genome position (GRCh38, 1-based): chr1:62,504,748, T>C on the plus strand (A>G on the coding strand, the complement: DOCK7 is on the minus strand). VCF-style: chr1-62504748-T-C. GRCh37 (hg19) VCF-style: chr1-62970419-T-C.
Other names: c.4619A>G, p.Gln1540Arg (NM_001271999.2, NM_001330614.2); c.4526A>G, p.Gln1509Arg (NM_001272000.2, NM_001272001.2); c.4553A>G, p.Gln1518Arg (NM_033407.4); short protein forms Q1540R, Q1549R, Q1518R, Q1509R.
Identifiers: ClinVar variation 845080 (VCV000845080.8), dbSNP rs1646890420, ClinGen allele CA340618129.

ClinVar aggregate classification (germline): Uncertain significance (1 of 4 stars; one submission).

Conditions:
Developmental and epileptic encephalopathy, 23 (DEE23). Also called: Epileptic encephalopathy, early infantile, 23. Identifiers: Orphanet 411986, MedGen C4014492, MONDO:0014371, OMIM 615859.

Allele frequency attached by ClinVar (database versions not stated): gnomAD exomes below 0.00001.
gnomAD v4.1: 1 of 1,614,108 alleles (0.000062%); highest among the groups gnomAD compares: South Asian, 0.0011%; no homozygotes.

Submission:

Labcorp Genetics (formerly Invitae), Labcorp
Classification: Uncertain significance for Developmental and epileptic encephalopathy, 23. Last evaluated: 2022-07-05. Review status: criteria provided, single submitter. Criteria: Invitae Variant Classification Sherloc (09022015). Collection method: clinical testing. Allele origin: germline.
Comment: In summary, the available evidence is currently insufficient to determine the role of this variant in disease. Therefore, it has been classified as a Variant of Uncertain Significance. Algorithms developed to predict the effect of missense changes on protein structure and function are either unavailable or do not agree on the potential impact of this missense change (SIFT: "Deleterious"; PolyPhen-2: "Possibly Damaging"; Align-GVGD: "Class C0"). ClinVar contains an entry for this variant (Variation ID: 845080). This variant has not been reported in the literature in individuals affected with DOCK7-related conditions. This variant is not present in population databases (gnomAD no frequency). This sequence change replaces glutamine, which is neutral and polar, with arginine, which is basic and polar, at codon 1540 of the DOCK7 protein (p.Gln1540Arg).